The following is an entry in ClinVar:

ClinVar aggregate classification (germline): Uncertain significance (1 of 4 stars; one submission).

Conditions:
Spondyloenchondrodysplasia with immune dysregulation (SPENCDI). Also called: ROIFMAN IMMUNOSKELETAL SYNDROME; SPONDYLOENCHONDRODYSPLASIA WITH OR WITHOUT IMMUNE DYSREGULATION; COMBINED IMMUNODEFICIENCY WITH AUTOIMMUNITY AND SPONDYLOMETAPHYSEAL DYSPLASIA. Identifiers: Orphanet 1855, MedGen C1842763, MONDO:0011939, OMIM 607944.

Allele frequency attached by ClinVar (database versions not stated): gnomAD exomes below 0.00001; ExAC 0.00001.
gnomAD v4.1: 1 of 1,613,992 alleles (0.000062%); highest among the groups gnomAD compares: Non-Finnish European, 0.000085%; no homozygotes.

Submission:

Labcorp Genetics (formerly Invitae), Labcorp
Classification: Uncertain significance for Spondyloenchondrodysplasia with immune dysregulation. Last evaluated: 2022-02-22. Review status: criteria provided, single submitter. Criteria: Invitae Variant Classification Sherloc (09022015). Collection method: clinical testing. Allele origin: germline.
Comment: Algorithms developed to predict the effect of missense changes on protein structure and function are either unavailable or do not agree on the potential impact of this missense change (SIFT: "Not Available"; PolyPhen-2: "Probably Damaging"; Align-GVGD: "Not Available"). In summary, the available evidence is currently insufficient to determine the role of this variant in disease. Therefore, it has been classified as a Variant of Uncertain Significance. This variant has not been reported in the literature in individuals affected with ACP5-related conditions. This variant is present in population databases (rs754714567, gnomAD 0.0009%). This sequence change replaces histidine, which is basic and polar, with arginine, which is basic and polar, at codon 111 of the ACP5 protein (p.His111Arg).

NM_001611.5(ACP5):c.332A>G (p.His111Arg)

Gene: ACP5 (acid phosphatase 5, tartrate resistant; minus strand). Cytogenetic location: 19p13.2.
Variant type: single nucleotide variant.
Coding change: c.332A>G on transcript NM_001611.5 (MANE Select); coding-DNA position 332, A replaced by G.
Protein change: p.His111Arg; replaces histidine 111 with arginine.
Molecular consequence: missense variant.
Genome position (GRCh38, 1-based): chr19:11,576,773, T>C on the plus strand (A>G on the coding strand, the complement: ACP5 is on the minus strand). VCF-style: chr19-11576773-T-C. GRCh37 (hg19) VCF-style: chr19-11687588-T-C.
Other names: c.332A>G, p.His111Arg (NM_001111034.3, NM_001111035.3, NM_001111036.3 and 1 more transcripts); short protein forms H111R.
Identifiers: ClinVar variation 1971925 (VCV001971925.5), dbSNP rs754714567, ClinGen allele CA9215446.
Genomic context (GRCh38, chr19:11,576,773, plus strand): 5'-CACCAGCGCTTGGAGATCTTAGAGTATGCAATCTGGGCAGAGACATTGCCAAGGTGGTCA[T>C]GGTTTCCGGCTAGCACGTACCAGGGCACTTTGCGAAGGGAGCGGTCAGAGAATACGTCCT-3'
Protein context (NP_001602.1, residues 101-121): KVPWYVLAGN[His111Arg]DHLGNVSAQI